The following is an entry in ClinVar:

NM_002547.2(OPHN1):c.2159_2171delGGGATGCTGACAG

Gene: OPHN1 (oligophrenin 1; minus strand). Cytogenetic location: Xq12.
Variant type: Deletion.
Coding change: c.2159_2171delGGGATGCTGACAG on transcript NM_002547.2; coding-DNA positions 2159 to 2171, 13 bases deleted (GGGATGCTGACAG).
Genome position (GRCh38, 1-based): chrX:68,053,798-68,053,810, CTGTCAGCATCCC deleted on the plus strand (GGGATGCTGACAG on the coding strand, the reverse complement: OPHN1 is on the minus strand); deleting any 13 consecutive bases within chrX:68,053,798-68,053,813 gives the same sequence; the c. name uses the placement nearest the transcript's 3' end. VCF-style (leftmost placement, unchanged base first): chrX-68053797-ACTGTCAGCATCCC-A. GRCh37 (hg19) VCF-style: chrX-67273639-ACTGTCAGCATCCC-A.
Identifiers: ClinVar variation 524115 (VCV000524115.4), ClinGen allele CA658799765.
Genomic context (GRCh38, chrX:68,053,797, plus strand): 5'-GGGCCTCACTGGGGGGCGGATGATGGTTGGCTTTTCTCCTGGAGGCCGCACTTTGCTGAA[ACTGTCAGCATCCC>A]CTGGAAGAGAAAATGATACCAGGAACTTGGATGGTTAGCCAAACAGAACACTACTCATGA-3'

ClinVar aggregate classification (germline): Pathogenic (1 of 4 stars; one submission).

Submission:

GeneDx
Classification: Pathogenic. Last evaluated: 2018-04-12. Review status: criteria provided, single submitter. Criteria: GeneDx Variant Classification (06012015). Collection method: clinical testing. Allele origin: germline. Affected: yes.
Comment: The c.2159_2171del13 variant in the OPHN1 gene has not been reported previously as a pathogenic variant nor as a benign variant, to our knowledge. The c.2159_2171del13 variant causes a frameshift starting with codon Glycine 720, changes this amino acid to a Valine residue, and creates a premature Stop codon at position 19 of the new reading frame, denoted p.Gly720ValfsX19. This variant is predicted to cause loss of normal protein function either through protein truncation or nonsense-mediated mRNA decay. The c.2159_2171del13 variant is not observed in large population cohorts (Lek et al., 2016).